The following is an entry in ClinVar:

ClinVar aggregate classification (germline): Uncertain significance (1 of 4 stars; one submission).

Conditions:
Saldino-Mainzer syndrome (SRTD9). Also called: Renal dysplasia, retinal pigmentary dystrophy, cerebellar ataxia and skeletal dysplasia; CONORENAL SYNDROME; SHORT-RIB THORACIC DYSPLASIA 9 WITHOUT POLYDACTYLY; short-rib thoracic dysplasia 9 with or without polydactyly. Identifiers: Orphanet 140969, MedGen C1849437, MONDO:0009964, OMIM 266920.

gnomAD v4.1: 1 of 1,612,672 alleles (0.000062%); highest among the groups gnomAD compares: Non-Finnish European, 0.000085%; no homozygotes.

Submission:

Labcorp Genetics (formerly Invitae), Labcorp
Classification: Uncertain significance for Saldino-Mainzer syndrome. Last evaluated: 2025-08-11. Review status: criteria provided, single submitter. Criteria: Invitae Variant Classification Sherloc (09022015). Collection method: clinical testing. Allele origin: germline.
Comment: This sequence change replaces leucine, which is neutral and non-polar, with arginine, which is basic and polar, at codon 514 of the IFT140 protein (p.Leu514Arg). This variant is not present in population databases (gnomAD no frequency). This variant has not been reported in the literature in individuals affected with IFT140-related conditions. ClinVar contains an entry for this variant (Variation ID: 1505631). Invitae Evidence Modeling of protein sequence and biophysical properties (such as structural, functional, and spatial information, amino acid conservation, physicochemical variation, residue mobility, and thermodynamic stability) has been performed for this missense variant. However, the output from this modeling did not meet the statistical confidence thresholds required to predict the impact of this variant on IFT140 protein function. In summary, the available evidence is currently insufficient to determine the role of this variant in disease. Therefore, it has been classified as a Variant of Uncertain Significance.

NM_014714.4(IFT140):c.1541T>G (p.Leu514Arg)

Gene: IFT140 (intraflagellar transport 140; minus strand). Cytogenetic location: 16p13.3.
Variant type: single nucleotide variant.
Coding change: c.1541T>G on transcript NM_014714.4 (MANE Select); coding-DNA position 1541, T replaced by G.
Protein change: p.Leu514Arg; replaces leucine 514 with arginine.
Molecular consequence: missense variant.
Genome position (GRCh38, 1-based): chr16:1,571,518, A>C on the plus strand (T>G on the coding strand, the complement: IFT140 is on the minus strand). VCF-style: chr16-1571518-A-C. GRCh37 (hg19) VCF-style: chr16-1621519-A-C.
Other names: short protein forms L514R.
Identifiers: ClinVar variation 1505631 (VCV001505631.6), dbSNP rs150903791, ClinGen allele CA394209484.